The following is an entry in ClinVar:

ClinVar aggregate classification (germline): Uncertain significance (1 of 4 stars; one submission).

Conditions:
Gorlin syndrome. Also called: Basal cell nevus syndrome; Nevoid Basal Cell Carcinoma Syndrome. Identifiers: Orphanet 377, MedGen C0004779, MONDO:0007187.

Submission:

Labcorp Genetics (formerly Invitae), Labcorp
Classification: Uncertain significance for Gorlin syndrome. Last evaluated: 2019-05-10. Review status: criteria provided, single submitter. Criteria: Invitae Variant Classification Sherloc (09022015). Collection method: clinical testing. Allele origin: germline.
Comment: In summary, the available evidence is currently insufficient to determine the role of this variant in disease. Therefore, it has been classified as a Variant of Uncertain Significance. Algorithms developed to predict the effect of missense changes on protein structure and function (SIFT, PolyPhen-2, Align-GVGD) all suggest that this variant is likely to be tolerated, but these predictions have not been confirmed by published functional studies and their clinical significance is uncertain. This variant has not been reported in the literature in individuals with PTCH1-related disease. This variant is not present in population databases (ExAC no frequency). This sequence change replaces threonine with serine at codon 657 of the PTCH1 protein (p.Thr657Ser). The threonine residue is moderately conserved and there is a small physicochemical difference between threonine and serine.

NM_000264.5(PTCH1):c.1969A>T (p.Thr657Ser)

Genes: PTCH1 (patched 1; minus strand), LOC100507346 (uncharacterized LOC100507346; plus strand). Cytogenetic location: 9q22.32.
Variant type: single nucleotide variant.
Coding change: c.1969A>T on transcript NM_000264.5 (MANE Select); coding-DNA position 1969, A replaced by T.
Protein change: p.Thr657Ser; replaces threonine 657 with serine.
Molecular consequence: missense variant. On other transcripts: non-coding transcript variant (2).
Genome position (GRCh38, 1-based): chr9:95,469,032, T>A on the plus strand (A>T on the coding strand, the complement: PTCH1 is on the minus strand). VCF-style: chr9-95469032-T-A. GRCh37 (hg19) VCF-style: chr9-98231314-T-A.
Other names: c.1771A>T, p.Thr591Ser (NM_001083602.3); c.1966A>T, p.Thr656Ser (NM_001083603.3); c.1516A>T, p.Thr506Ser (NM_001083604.3, NM_001083605.3, NM_001083606.3 and 1 more transcripts); c.1813A>T, p.Thr605Ser (NM_001354918.2); short protein forms T591S, T657S, T605S, T656S, T506S.
Identifiers: ClinVar variation 576801 (VCV000576801.11), dbSNP rs1564033929, ClinGen allele CA374115933.